The following is an entry in ClinVar:

NM_014000.3(VCL):c.1017T>C (p.Arg339=)

Gene: VCL (vinculin; plus strand). Cytogenetic location: 10q22.2.
Variant type: single nucleotide variant.
Coding change: c.1017T>C on transcript NM_014000.3 (MANE Select); coding-DNA position 1017, T replaced by C.
Protein change: p.Arg339=; no amino-acid change (arginine 339 retained).
Molecular consequence: synonymous variant.
Genome position (GRCh38, 1-based): chr10:74,083,508, T>C. VCF-style: chr10-74083508-T-C. GRCh37 (hg19) VCF-style: chr10-75843266-T-C.
Other names: c.1017T>C, p.Arg339= (NM_003373.4).
Identifiers: ClinVar variation 228228 (VCV000228228.5), dbSNP rs876657632, ClinGen allele CA10576824.

ClinVar aggregate classification (germline): Likely benign (1 of 4 stars; one submission).

Submission:

Laboratory for Molecular Medicine, Mass General Brigham Personalized Medicine
Classification: Likely benign. Last evaluated: 2015-08-13. Review status: criteria provided, single submitter. Criteria: LMM Criteria. Collection method: clinical testing. Allele origin: germline. Observed: 1 variant allele.
Comment: p.Arg339Arg in exon 8 of VCL: This variant is not expected to have clinical sign ificance because it does not alter an amino acid residue and is not located with in the splice consensus sequence.